The following is an entry in ClinVar:

ClinVar aggregate classification (germline): Uncertain significance. Review status: criteria provided, multiple submitters, no conflicts (2 of 4 stars). 2 submissions from 2 submitters: Uncertain significance (2). Last evaluated 2025-08-08.

Conditions:
Inborn genetic diseases. Identifiers: MedGen C0950123, MeSH D030342.
Pulmonary fibrosis and/or bone marrow failure, Telomere-related, 3. Also called: PULMONARY FIBROSIS AND/OR BONE MARROW FAILURE SYNDROME, TELOMERE-RELATED, 3. Identifiers: Orphanet 2032, MedGen C4225346, MONDO:0014613, OMIM 616373.
Dyskeratosis congenita, autosomal recessive 5 (DKCB5). Identifiers: MedGen C3554656, MONDO:0014076, OMIM 615190.

Allele frequency attached by ClinVar (database versions not stated): gnomAD 0.00002.
gnomAD v4.1: 3 of 1,613,324 alleles (0.00019%); highest among the groups gnomAD compares: African/African-American, 0.004%; no homozygotes.

Submissions (2):

Labcorp Genetics (formerly Invitae), Labcorp
Classification: Uncertain significance for Dyskeratosis congenita, autosomal recessive 5; Pulmonary fibrosis and/or bone marrow failure, Telomere-related, 3. Last evaluated: 2025-08-08. Review status: criteria provided, single submitter. Criteria: Invitae Variant Classification Sherloc (09022015). Collection method: clinical testing. Allele origin: germline.
Comment: This sequence change replaces proline, which is neutral and non-polar, with alanine, which is neutral and non-polar, at codon 297 of the RTEL1 protein (p.Pro297Ala). This variant is present in population databases (rs368913453, gnomAD 0.01%). This variant has not been reported in the literature in individuals affected with RTEL1-related conditions. ClinVar contains an entry for this variant (Variation ID: 2202545). An algorithm developed to predict the effect of missense changes on protein structure and function outputs the following: PolyPhen-2: "Benign". The alanine amino acid residue is found in multiple mammalian species, which suggests that this missense change does not adversely affect protein function. In summary, the available evidence is currently insufficient to determine the role of this variant in disease. Therefore, it has been classified as a Variant of Uncertain Significance.

Ambry Genetics
Classification: Uncertain significance for Inborn genetic diseases. Last evaluated: 2025-05-18. Review status: criteria provided, single submitter. Criteria: Ambry Variant Classification Scheme 2023. Collection method: clinical testing. Allele origin: germline.
Comment: The p.P297A variant (also known as c.889C>G), located in coding exon 9 of the RTEL1 gene, results from a C to G substitution at nucleotide position 889. The proline at codon 297 is replaced by alanine, an amino acid with highly similar properties. This amino acid position is conserved. In addition, this alteration is predicted to be tolerated by in silico analysis. Based on the available evidence, the clinical significance of this variant remains unclear.

NM_001283009.2(RTEL1):c.889C>G (p.Pro297Ala)

Genes: RTEL1 (regulator of telomere elongation helicase 1; plus strand), RTEL1-TNFRSF6B (RTEL1-TNFRSF6B readthrough (NMD candidate); plus strand). Cytogenetic location: 20q13.33.
Variant type: single nucleotide variant.
Coding change: c.889C>G on transcript NM_001283009.2 (MANE Select); coding-DNA position 889, C replaced by G.
Protein change: p.Pro297Ala; replaces proline 297 with alanine.
Molecular consequence: missense variant. On other transcripts: non-coding transcript variant (1).
Genome position (GRCh38, 1-based): chr20:63,674,063, C>G. VCF-style: chr20-63674063-C-G. GRCh37 (hg19) VCF-style: chr20-62305416-C-G.
Other names: c.220C>G, p.Pro74Ala (NM_001283010.1); c.889C>G, p.Pro297Ala (NM_016434.4); c.961C>G, p.Pro321Ala (NM_032957.5); short protein forms P74A, P297A, P321A.
Identifiers: ClinVar variation 2202545 (VCV002202545.5), dbSNP rs368913453, ClinGen allele CA317495829.